The following is an entry in ClinVar:

NM_001199397.3(NEK1):c.2885A>G (p.Gln962Arg)

Gene: NEK1 (NIMA related kinase 1; minus strand). Cytogenetic location: 4q33.
Variant type: single nucleotide variant.
Coding change: c.2885A>G on transcript NM_001199397.3 (MANE Select); coding-DNA position 2885, A replaced by G.
Protein change: p.Gln962Arg; replaces glutamine 962 with arginine.
Molecular consequence: missense variant. On other transcripts: non-coding transcript variant (1).
Genome position (GRCh38, 1-based): chr4:169,433,545, T>C on the plus strand (A>G on the coding strand, the complement: NEK1 is on the minus strand). VCF-style: chr4-169433545-T-C. GRCh37 (hg19) VCF-style: chr4-170354696-T-C.
Other names: c.2753A>G, p.Gln918Arg (NM_001199398.3); c.2594A>G, p.Gln865Arg (NM_001199399.3); c.2669A>G, p.Gln890Arg (NM_001199400.3); c.2885A>G, p.Gln962Arg (NM_001374418.1); c.2801A>G, p.Gln934Arg (NM_001374419.1, NM_012224.4); c.2750A>G, p.Gln917Arg (NM_001374420.1); c.2402A>G, p.Gln801Arg (NM_001374421.1); short protein forms Q801R, Q865R, Q890R, Q917R, Q918R, Q934R, Q962R.
Identifiers: ClinVar variation 3030933 (VCV003030933.2), dbSNP rs769474741, ClinGen allele CA3137309.

ClinVar aggregate classification (germline): Uncertain significance (0 of 4 stars; one submission).

Conditions:
NEK1-related disorder. Also called: NEK1-related condition.

Allele frequency attached by ClinVar (database versions not stated): TOPMed 0.00002; gnomAD 0.00004; ExAC 0.00008; gnomAD exomes 0.00008.
gnomAD v4.1: 123 of 1,607,056 alleles (0.0077%); highest among the groups gnomAD compares: Non-Finnish European, 0.0089%; no homozygotes.

Submission:

PreventionGenetics, part of Exact Sciences
Classification: Uncertain significance for NEK1-related condition. Last evaluated: 2023-12-19. Review status: no assertion criteria provided. Collection method: clinical testing. Allele origin: germline.
Comment: The NEK1 c.2801A>G variant is predicted to result in the amino acid substitution p.Gln934Arg. To our knowledge, this variant has not been reported in the literature. This variant is reported in 0.012% of alleles in individuals of European (Finnish) descent in gnomAD. At this time, the clinical significance of this variant is uncertain due to the absence of conclusive functional and genetic evidence.